The following is an entry in ClinVar:

ClinVar aggregate classification (germline): Uncertain significance (1 of 4 stars; one submission).

Allele frequency attached by ClinVar (database versions not stated): gnomAD 0.00001 and 0.00003; gnomAD exomes 0.00001; TOPMed 0.00001.
gnomAD v4.1: 12 of 1,613,904 alleles (0.00074%); highest among the groups gnomAD compares: South Asian, 0.0088%; no homozygotes.

Submission:

Labcorp Genetics (formerly Invitae), Labcorp
Classification: Uncertain significance. Last evaluated: 2021-09-17. Review status: criteria provided, single submitter. Criteria: Invitae Variant Classification Sherloc (09022015). Collection method: clinical testing. Allele origin: germline.
Comment: This sequence change replaces isoleucine with threonine at codon 14 of the CNGB3 protein (p.Ile14Thr). The isoleucine residue is weakly conserved and there is a moderate physicochemical difference between isoleucine and threonine. This variant is not present in population databases (ExAC no frequency). This variant has not been reported in the literature in individuals with CNGB3-related conditions. Advanced modeling of protein sequence and biophysical properties (such as structural, functional, and spatial information, amino acid conservation, physicochemical variation, residue mobility, and thermodynamic stability) performed at Invitae indicates that this missense variant is not expected to disrupt CNGB3 protein function. In summary, the available evidence is currently insufficient to determine the role of this variant in disease. Therefore, it has been classified as a Variant of Uncertain Significance.

NM_019098.5(CNGB3):c.41T>C (p.Ile14Thr)

Gene: CNGB3 (cyclic nucleotide gated channel subunit beta 3; minus strand). Cytogenetic location: 8q21.3.
Variant type: single nucleotide variant.
Coding change: c.41T>C on transcript NM_019098.5 (MANE Select); coding-DNA position 41, T replaced by C.
Protein change: p.Ile14Thr; replaces isoleucine 14 with threonine.
Molecular consequence: missense variant.
Genome position (GRCh38, 1-based): chr8:86,743,587, A>G on the plus strand (T>C on the coding strand, the complement: CNGB3 is on the minus strand). VCF-style: chr8-86743587-A-G. GRCh37 (hg19) VCF-style: chr8-87755815-A-G.
Other names: short protein forms I14T.
Identifiers: ClinVar variation 1482174 (VCV001482174.5), dbSNP rs1825378008, ClinGen allele CA371452856.
Genomic context (GRCh38, chr8:86,743,587, plus strand): 5'-CTTGGGTGAGAGCCTTCTTCATTCCGACGAGAACTTTGTTCATTCTCATTGTTCTCTCCT[A>G]TAGGCTTCACCTTGTTGACTTTTGTCAGCGATTTAAACATCTTCTCTGAGGTGGTTCTGA-3'
Protein context (NP_061971.3, residues 4-24): SLTKVNKVKP[Ile14Thr]GENNENEQSS